The following is an entry in ClinVar:

NM_000051.4(ATM):c.6854G>A (p.Ser2285Asn)

Genes: C11orf65 (chromosome 11 open reading frame 65; minus strand), ATM (ATM serine/threonine kinase; plus strand). Cytogenetic location: 11q22.3.
Variant type: single nucleotide variant.
Coding change: c.6854G>A on transcript NM_000051.4 (MANE Select); coding-DNA position 6854, G replaced by A.
Protein change: p.Ser2285Asn; replaces serine 2285 with asparagine.
Molecular consequence: missense variant. On other transcripts: intron variant (2).
Genome position (GRCh38, 1-based): chr11:108,326,104, G>A. VCF-style: chr11-108326104-G-A. GRCh37 (hg19) VCF-style: chr11-108196831-G-A.
Other names: c.6854G>A, p.Ser2285Asn (NM_001351834.2); c.641-17033C>T (NM_001330368.2); c.*38+9116C>T (NM_001351110.2); short protein forms S2285N.
Identifiers: ClinVar variation 4747248 (VCV004747248.1).

ClinVar aggregate classification (germline): Uncertain significance (1 of 4 stars; one submission).

Conditions:
Ataxia-telangiectasia syndrome (AT). Also called: LOUIS-BAR SYNDROME; Cerebello-oculocutaneous telangiectasia; Immunodeficiency with ataxia telangiectasia; Ataxia-telangiectasia, complementation group D; AT, COMPLEMENTATION GROUP C; ATAXIA-TELANGIECTASIA, COMPLEMENTATION GROUP A. Identifiers: Orphanet 100, MedGen C0004135, MONDO:0008840, OMIM 208900.

Submission:

Labcorp Genetics (formerly Invitae), Labcorp
Classification: Uncertain significance for Ataxia-telangiectasia syndrome. Last evaluated: 2025-11-19. Review status: criteria provided, single submitter. Criteria: Invitae Variant Classification Sherloc (09022015). Collection method: clinical testing. Allele origin: germline.
Comment: This sequence change replaces serine, which is neutral and polar, with asparagine, which is neutral and polar, at codon 2285 of the ATM protein (p.Ser2285Asn). This variant is not present in population databases (gnomAD no frequency). This variant has not been reported in the literature in individuals affected with ATM-related conditions. Invitae Evidence Modeling of protein sequence and biophysical properties (such as structural, functional, and spatial information, amino acid conservation, physicochemical variation, residue mobility, and thermodynamic stability) indicates that this missense variant is not expected to disrupt ATM protein function with a negative predictive value of 95%. In summary, the available evidence is currently insufficient to determine the role of this variant in disease. Therefore, it has been classified as a Variant of Uncertain Significance.